The following is an entry in ClinVar:

ClinVar aggregate classification (germline): Uncertain significance (1 of 4 stars; one submission).

Conditions:
Hereditary cancer-predisposing syndrome. Also called: Neoplastic Syndromes, Hereditary; Tumor predisposition; Hereditary Cancer Syndrome; Hereditary neoplastic syndrome. Identifiers: Orphanet 140162, MedGen C0027672, MeSH D009386, MONDO:0015356.

Submission:

Ambry Genetics
Classification: Uncertain significance for Hereditary cancer-predisposing syndrome. Last evaluated: 2026-05-28. Review status: criteria provided, single submitter. Criteria: Ambry Variant Classification Scheme 2023. Collection method: clinical testing. Allele origin: germline.
Comment: The c.2377-3delC intronic variant, located in intron 14 of the ATM gene, results from a deletion of one nucleotide within intron 14 of the ATM gene. This nucleotide position is not well conserved in available vertebrate species. In silico splice site analysis predicts that this alteration will weaken the native splice acceptor site. RNA studies have demonstrated that this variant results in a transcript predicted to lead to a protein with an in-frame deletion of 1 amino acid; however, the exact functional impact of the deleted amino acid is unknown at this time (Ambry internal data). Based on the available evidence, the clinical significance of this variant remains unclear.

NM_000051.4(ATM):c.2377-3del

Gene: ATM (ATM serine/threonine kinase; plus strand). Cytogenetic location: 11q22.3.
Variant type: Deletion.
Coding change: c.2377-3del on transcript NM_000051.4 (MANE Select); 3 bases into the intron before coding-DNA position 2377, one base deleted (C; older notation c.2377-3delC).
Molecular consequence: intron variant.
Genome position (GRCh38, 1-based): chr11:108,258,983, C deleted. VCF-style (leftmost placement, unchanged base first): chr11-108258982-GC-G. GRCh37 (hg19) VCF-style: chr11-108129709-GC-G.
Other names: c.2377-3del (NM_001351834.2).
Identifiers: ClinVar variation 4867035 (VCV004867035.1).
Genomic context (GRCh38, chr11:108,258,982, plus strand): 5'-TGTCTGCCAAGAATAATTGTTTTTATTTCTTTGTTGCTTGGTTCTTTGTTTGTCTTAATT[GC>G]AGAAGAGTCCAAATAAGATTGCATCTGGCTTTTTCCTGCGATTGTTAACATCAAAGCTAA-3'